The following is an entry in ClinVar:

ClinVar aggregate classification (germline): Uncertain significance (1 of 4 stars; one submission).

Conditions:
Marfan syndrome (MFS). Also called: Marfan's syndrome; Marfan syndrome, classic; MARFAN SYNDROME, TYPE I; Marfan syndrome type 1; FBN1-Related Marfan Syndrome. Identifiers: Orphanet 284963, Orphanet 558, MedGen C0024796, MONDO:0007947, OMIM 154700.
Familial thoracic aortic aneurysm and aortic dissection (TAAD). Also called: Thoracic aortic aneurysms and dissections. Identifiers: Orphanet 91387, MedGen C4707243, MONDO:0019625.

Submission:

Labcorp Genetics (formerly Invitae), Labcorp
Classification: Uncertain significance for Marfan syndrome; Familial thoracic aortic aneurysm and aortic dissection. Last evaluated: 2022-07-15. Review status: criteria provided, single submitter. Criteria: Invitae Variant Classification Sherloc (09022015). Collection method: clinical testing. Allele origin: germline.
Comment: This sequence change replaces glycine, which is neutral and non-polar, with alanine, which is neutral and non-polar, at codon 2337 of the FBN1 protein (p.Gly2337Ala). This variant is not present in population databases (gnomAD no frequency). This variant has not been reported in the literature in individuals affected with FBN1-related conditions. Advanced modeling of protein sequence and biophysical properties (such as structural, functional, and spatial information, amino acid conservation, physicochemical variation, residue mobility, and thermodynamic stability) performed at Invitae indicates that this missense variant is expected to disrupt FBN1 protein function. In summary, the available evidence is currently insufficient to determine the role of this variant in disease. Therefore, it has been classified as a Variant of Uncertain Significance.

NM_000138.5(FBN1):c.7010G>C (p.Gly2337Ala)

Gene: FBN1 (fibrillin 1; minus strand). Cytogenetic location: 15q21.1.
Variant type: single nucleotide variant.
Coding change: c.7010G>C on transcript NM_000138.5 (MANE Select); coding-DNA position 7010, G replaced by C.
Protein change: p.Gly2337Ala; replaces glycine 2337 with alanine.
Molecular consequence: missense variant.
Genome position (GRCh38, 1-based): chr15:48,427,761, C>G on the plus strand (G>C on the coding strand, the complement: FBN1 is on the minus strand). VCF-style: chr15-48427761-C-G. GRCh37 (hg19) VCF-style: chr15-48719958-C-G.
Other names: c.7010G>C, p.Gly2337Ala (NM_001406716.1); short protein forms G2337A.
Identifiers: ClinVar variation 1715581 (VCV001715581.5), dbSNP rs2505412858, ClinGen allele CA392330345.